The following is an entry in ClinVar:

NM_004793.4(LONP1):c.2074T>A (p.Ser692Thr)

Gene: LONP1 (lon peptidase 1, mitochondrial; minus strand). Cytogenetic location: 19p13.3.
Variant type: single nucleotide variant.
Coding change: c.2074T>A on transcript NM_004793.4 (MANE Select); coding-DNA position 2074, T replaced by A.
Protein change: p.Ser692Thr; replaces serine 692 with threonine.
Molecular consequence: missense variant. On other transcripts: non-coding transcript variant (1).
Genome position (GRCh38, 1-based): chr19:5,694,841, A>T on the plus strand (T>A on the coding strand, the complement: LONP1 is on the minus strand). VCF-style: chr19-5694841-A-T. GRCh37 (hg19) VCF-style: chr19-5694852-A-T.
Other names: c.1882T>A, p.Ser628Thr (NM_001276479.2); c.1486T>A, p.Ser496Thr (NM_001276480.1); short protein forms S628T, S496T, S692T.
Identifiers: ClinVar variation 1939196 (VCV001939196.5), dbSNP rs1385676275, ClinGen allele CA403528219.

ClinVar aggregate classification (germline): Uncertain significance (1 of 4 stars; one submission).

Submission:

Labcorp Genetics (formerly Invitae), Labcorp
Classification: Uncertain significance. Last evaluated: 2022-06-13. Review status: criteria provided, single submitter. Criteria: Invitae Variant Classification Sherloc (09022015). Collection method: clinical testing. Allele origin: germline.
Comment: Algorithms developed to predict the effect of missense changes on protein structure and function (SIFT, PolyPhen-2, Align-GVGD) all suggest that this variant is likely to be tolerated. In summary, the available evidence is currently insufficient to determine the role of this variant in disease. Therefore, it has been classified as a Variant of Uncertain Significance. This variant has not been reported in the literature in individuals affected with LONP1-related conditions. This variant is not present in population databases (gnomAD no frequency). This sequence change replaces serine, which is neutral and polar, with threonine, which is neutral and polar, at codon 692 of the LONP1 protein (p.Ser692Thr).